The following is an entry in ClinVar:

NM_201384.3(PLEC):c.6744G>A (p.Glu2248=)

Gene: PLEC (plectin; minus strand). Cytogenetic location: 8q24.3.
Variant type: single nucleotide variant.
Coding change: c.6744G>A on transcript NM_201384.3 (MANE Select); coding-DNA position 6744, G replaced by A.
Protein change: p.Glu2248=; no amino-acid change (glutamic acid 2248 retained).
Molecular consequence: synonymous variant.
Genome position (GRCh38, 1-based): chr8:143,923,185, C>T on the plus strand (G>A on the coding strand, the complement: PLEC is on the minus strand). VCF-style: chr8-143923185-C-T. GRCh37 (hg19) VCF-style: chr8-144997353-C-T.
Other names: c.6825G>A, p.Glu2275= (NM_000445.5); c.6702G>A, p.Glu2234= (NM_201378.4); c.6678G>A, p.Glu2226= (NM_201379.3); c.7155G>A, p.Glu2385= (NM_201380.4); c.6648G>A, p.Glu2216= (NM_201381.3); c.6744G>A, p.Glu2248= (NM_201382.4); c.6756G>A, p.Glu2252= (NM_201383.3).
Identifiers: ClinVar variation 387413 (VCV000387413.9), dbSNP rs543681854, ClinGen allele CA4925878.
Genomic context (GRCh38, chr8:143,923,185, plus strand): 5'-CTCCTGCAGGAAGCGCTGCGTATTGTCCTTGTCACGCAAGATGAGTGCGCGGTTCTCAGC[C>T]TCGATGCGTGCCTTGAGCTTGCTCAGCTCCTCCATCTGCACGCGCACCGAGAAGAGCTCC-3'
Protein context (NP_958786.1, residues 2238-2258): EELSKLKARI[Glu2248=]AENRALILRD

ClinVar aggregate classification (germline): Likely benign. Review status: criteria provided, multiple submitters, no conflicts (2 of 4 stars). 2 submissions from 2 submitters: Likely benign (2). Last evaluated 2025-11-11.

Conditions:
Epidermolysis bullosa simplex with nail dystrophy (EBS5D). Identifiers: MedGen C4225309, MONDO:0014661, OMIM 616487.
Epidermolysis bullosa simplex 5B, with muscular dystrophy (EBS5B). Also called: EPIDERMOLYSIS BULLOSA SIMPLEX AND LIMB-GIRDLE MUSCULAR DYSTROPHY; Epidermolysis bullosa simplex with muscular dystrophy. Identifiers: Orphanet 257, MedGen C2931072, MONDO:0009181, OMIM 226670.
Epidermolysis bullosa simplex, Ogna type (EBS5A). Also called: Pidermolysis bullosa simplex 5A, Ogna type; EPIDERMOLYSIS BULLOSA SIMPLEX 5A, OGNA TYPE. Identifiers: Orphanet 79401, MedGen C0432317, MONDO:0007555, OMIM 131950.
Autosomal recessive limb-girdle muscular dystrophy type 2Q (LGMDR17). Also called: MUSCULAR DYSTROPHY, LIMB-GIRDLE, AUTOSOMAL RECESSIVE 17. Identifiers: Orphanet 254361, MedGen C3150989, MONDO:0013390, OMIM 613723.
Epidermolysis bullosa simplex 5C, with pyloric atresia (EBS5C). Also called: PLEC-Related Epidermolysis Bullosa with Pyloric Atresia; Epidermolysis bullosa simplex with pyloric atresia; PLEC1-Related Epidermolysis Bullosa with Pyloric Atresia. Identifiers: Orphanet 158684, MedGen C2677349, MONDO:0012807, OMIM 612138.

Allele frequency attached by ClinVar (database versions not stated): gnomAD exomes below 0.00001 and 0.00001; ExAC 0.00001; gnomAD 0.00002 and 0.00005; TOPMed 0.00002.
gnomAD v4.1: 15 of 1,602,586 alleles (0.00094%); highest among the groups gnomAD compares: African/African-American, 0.019%; no homozygotes.

Submissions (2):

Labcorp Genetics (formerly Invitae), Labcorp
Classification: Likely benign for Autosomal recessive limb-girdle muscular dystrophy type 2Q; Epidermolysis bullosa simplex, Ogna type; Epidermolysis bullosa simplex with nail dystrophy; Epidermolysis bullosa simplex 5C, with pyloric atresia; Epidermolysis bullosa simplex 5B, with muscular dystrophy. Last evaluated: 2025-11-11. Review status: criteria provided, single submitter. Criteria: Invitae Variant Classification Sherloc (09022015). Collection method: clinical testing. Allele origin: germline.

GeneDx
Classification: Likely benign. Last evaluated: 2016-07-25. Review status: criteria provided, single submitter. Criteria: GeneDx Variant Classification (06012015). Collection method: clinical testing. Allele origin: germline. Affected: yes.
Comment: This variant is considered likely benign or benign based on one or more of the following criteria: it is a conservative change, it occurs at a poorly conserved position in the protein, it is predicted to be benign by multiple in silico algorithms, and/or has population frequency not consistent with disease.